The following is an entry in ClinVar:

ClinVar aggregate classification (germline): Uncertain significance (1 of 4 stars; one submission).

Allele frequency attached by ClinVar (database versions not stated): gnomAD 0.00001; gnomAD exomes 0.00001 and 0.00004; TOPMed 0.00001; ExAC 0.00003.
gnomAD v4.1: 19 of 1,613,162 alleles (0.0012%); highest among the groups gnomAD compares: Admixed American, 0.012%; no homozygotes.

Submission:

Labcorp Genetics (formerly Invitae), Labcorp
Classification: Uncertain significance. Last evaluated: 2021-09-17. Review status: criteria provided, single submitter. Criteria: Invitae Variant Classification Sherloc (09022015). Collection method: clinical testing. Allele origin: germline.
Comment: This sequence change replaces alanine with valine at codon 365 of the C9 protein (p.Ala365Val). The alanine residue is moderately conserved and there is a small physicochemical difference between alanine and valine. This variant is present in population databases (rs761829607, ExAC 0.009%). This variant has not been reported in the literature in individuals with C9-related conditions. Algorithms developed to predict the effect of missense changes on protein structure and function are either unavailable or do not agree on the potential impact of this missense change (SIFT: "Not Available"; PolyPhen-2: "Benign"; Align-GVGD: "Not Available"). In summary, the available evidence is currently insufficient to determine the role of this variant in disease. Therefore, it has been classified as a Variant of Uncertain Significance.

NM_001737.5(C9):c.1094C>T (p.Ala365Val)

Gene: C9 (complement C9; minus strand). Cytogenetic location: 5p13.1.
Variant type: single nucleotide variant.
Coding change: c.1094C>T on transcript NM_001737.5 (MANE Select); coding-DNA position 1094, C replaced by T.
Protein change: p.Ala365Val; replaces alanine 365 with valine.
Molecular consequence: missense variant.
Genome position (GRCh38, 1-based): chr5:39,311,154, G>A on the plus strand (C>T on the coding strand, the complement: C9 is on the minus strand). VCF-style: chr5-39311154-G-A. GRCh37 (hg19) VCF-style: chr5-39311256-G-A.
Other names: short protein forms A365V.
Identifiers: ClinVar variation 1493405 (VCV001493405.5), dbSNP rs761829607, ClinGen allele CA3246808.
Genomic context (GRCh38, chr5:39,311,154, plus strand): 5'-GTCAAAACAGTATTTGAAGTCAGAGCTCTATTTCTAGGCATACCTTTCCGCTTCATGGAA[G>A]CTTTATCCAAAACATATATTAGTTCATAGAGTCCTCCTAGAGACCCAGAGCTACTGTAGT-3'
Protein context (NP_001728.1, residues 355-375): LYELIYVLDK[Ala365Val]SMKRKGVELK